The following is an entry in ClinVar:

ClinVar aggregate classification (germline): Uncertain significance. Review status: criteria provided, multiple submitters, no conflicts (2 of 4 stars). 4 submissions from 4 submitters: Uncertain significance (4). Last evaluated 2025-10-23.

Conditions:
Inborn genetic diseases. Identifiers: MedGen C0950123, MeSH D030342.

Allele frequency attached by ClinVar (database versions not stated): gnomAD exomes 0.00002; ExAC 0.00003; gnomAD 0.00006; TOPMed 0.00009.
gnomAD v4.1: 46 of 1,603,198 alleles (0.0029%); highest among the groups gnomAD compares: East Asian, 0.013%; no homozygotes.

Submissions (4):

Mayo Clinic Laboratories, Mayo Clinic
Classification: Uncertain significance. Last evaluated: 2025-10-23. Review status: criteria provided, single submitter. Criteria: ACMG Guidelines, 2015. Collection method: clinical testing. Allele origin: germline. Observed: 1 variant allele.
Comment: BP4

Labcorp Genetics (formerly Invitae), Labcorp
Classification: Uncertain significance. Last evaluated: 2025-06-20. Review status: criteria provided, single submitter. Criteria: Invitae Variant Classification Sherloc (09022015). Collection method: clinical testing. Allele origin: germline.
Comment: This sequence change replaces valine, which is neutral and non-polar, with isoleucine, which is neutral and non-polar, at codon 296 of the SLC12A6 protein (p.Val296Ile). This variant is present in population databases (rs202188085, gnomAD 0.01%). This variant has not been reported in the literature in individuals affected with SLC12A6-related conditions. ClinVar contains an entry for this variant (Variation ID: 1764941). Invitae Evidence Modeling of protein sequence and biophysical properties (such as structural, functional, and spatial information, amino acid conservation, physicochemical variation, residue mobility, and thermodynamic stability) indicates that this missense variant is not expected to disrupt SLC12A6 protein function with a negative predictive value of 80%. In summary, the available evidence is currently insufficient to determine the role of this variant in disease. Therefore, it has been classified as a Variant of Uncertain Significance.

Women's Health and Genetics/Laboratory Corporation of America, LabCorp
Classification: Uncertain significance. Last evaluated: 2025-04-09. Review status: criteria provided, single submitter. Criteria: LabCorp Variant Classification Summary - May 2015. Collection method: clinical testing. Allele origin: germline.
Comment: Variant summary: SLC12A6 c.886G>A (p.Val296Ile) results in a conservative amino acid change in the encoded protein sequence. Four of five in-silico tools predict a benign effect of the variant on protein function. The variant allele was found at a frequency of 3.6e-05 in 251298 control chromosomes (gnomAD). The available data on variant occurrences in the general population are insufficient to allow any conclusion about variant significance. To our knowledge, no occurrence of c.886G>A in individuals affected with Agenesis of the corpus callosum with peripheral neuropathy and no experimental evidence demonstrating its impact on protein function have been reported. ClinVar contains an entry for this variant (Variation ID: 1764941). Based on the evidence outlined above, the variant was classified as uncertain significance.

Ambry Genetics
Classification: Uncertain significance for Inborn genetic diseases. Last evaluated: 2021-11-02. Review status: criteria provided, single submitter. Criteria: Ambry Variant Classification Scheme 2023. Collection method: clinical testing. Allele origin: germline.
Comment: The p.V296I variant (also known as c.886G>A), located in coding exon 8 of the SLC12A6 gene, results from a G to A substitution at nucleotide position 886. The valine at codon 296 is replaced by isoleucine, an amino acid with highly similar properties. This amino acid position is conserved. In addition, this alteration is predicted to be tolerated by in silico analysis. Since supporting evidence is limited at this time, the clinical significance of this alteration remains unclear.

NM_001365088.1(SLC12A6):c.886G>A (p.Val296Ile)

Gene: SLC12A6 (solute carrier family 12 member 6; minus strand). Cytogenetic location: 15q14.
Variant type: single nucleotide variant.
Coding change: c.886G>A on transcript NM_001365088.1 (MANE Select); coding-DNA position 886, G replaced by A.
Protein change: p.Val296Ile; replaces valine 296 with isoleucine.
Molecular consequence: missense variant.
Genome position (GRCh38, 1-based): chr15:34,254,580, C>T on the plus strand (G>A on the coding strand, the complement: SLC12A6 is on the minus strand). VCF-style: chr15-34254580-C-T. GRCh37 (hg19) VCF-style: chr15-34546781-C-T.
Other names: p.Val296Ile; c.709G>A, p.Val237Ile (NM_001042494.2, NM_001042495.2); c.859G>A, p.Val287Ile (NM_001042496.2); c.841G>A, p.Val281Ile (NM_001042497.2); c.733G>A, p.Val245Ile (NM_005135.2); c.886G>A, p.Val296Ile (NM_133647.2); short protein forms V237I, V281I, V296I, V245I, V287I.
Identifiers: ClinVar variation 1764941 (VCV001764941.8), dbSNP rs202188085, ClinGen allele CA7464448.